The following is an entry in ClinVar:

NM_004183.4(BEST1):c.1622del (p.Leu541fs)

Gene: BEST1 (bestrophin 1; plus strand). Cytogenetic location: 11q12.3.
Variant type: Deletion.
Coding change: c.1622del on transcript NM_004183.4 (MANE Select); coding-DNA position 1622, one base deleted (T; older notation c.1622delT).
Protein change: p.Leu541fs; shifts the reading frame from leucine 541.
Molecular consequence: frameshift variant. On other transcripts: non-coding transcript variant (1).
Genome position (GRCh38, 1-based): chr11:61,962,776, T deleted. VCF-style (leftmost placement, unchanged base first): chr11-61962775-CT-C. GRCh37 (hg19) VCF-style: chr11-61730247-CT-C.
Other names: c.1622delT (NM_004183.4, NM_004183.3); c.1442delT, p.Leu481Argfs (NM_001139443.3); c.1361del, p.Leu454fs (NM_001300786.2); c.1442del, p.Leu481fs (NM_001300787.2); c.1304delT, p.Leu435Argfs (NM_001363591.3); c.*517delT (NM_001363592.2); c.650delT, p.Leu217Argfs (NM_001363593.3); short protein forms L481fs, L435fs, L217fs, L454fs, L541fs.
Identifiers: ClinVar variation 1448247 (VCV001448247.12), dbSNP rs1942209287, ClinGen allele CA912972752.

ClinVar aggregate classification (germline): Conflicting classifications of pathogenicity. Review status: criteria provided, conflicting classifications (1 of 4 stars). 4 submissions from 4 submitters: Pathogenic (1); Likely pathogenic (2); Uncertain significance (1). Last evaluated 2025-11-14.

Conditions:
BEST1-related disorder. Also called: BEST1-related disorders; BEST1-related condition. Identifiers: MedGen CN239200.
Autosomal recessive bestrophinopathy. Also called: Autosomal Recessive Bestrophinopathy (ARB). Identifiers: Orphanet 139455, MedGen C3888198, MONDO:0012733, OMIM 611809.

Submissions (4):

PreventionGenetics, part of Exact Sciences
Classification: Likely pathogenic for BEST1-related condition. Last evaluated: 2025-11-14. Review status: criteria provided, single submitter. Criteria: ACMG Guidelines, 2015. Collection method: clinical testing. Allele origin: germline.
Comment: The BEST1 c.1622delT variant is predicted to result in a frameshift and premature protein termination (p.Leu541Argfs*68). This variant has been reported in the absence of a second BEST1 variant in a cohort study of retinal disease (Ben Yosef et al. 2023. PubMed ID: 37287645). This variant has not been reported in a large population database (gnomAD), indicating this variant is rare. Frameshift variants in BEST1 are an established mechanism of autosomal recessive disease (Sodi et al. 2011. PubMed ID: 22162627). This variant is interpreted as likely pathogenic for autosomal recessive disease.

Blueprint Genetics
Classification: Pathogenic for BEST1-related disorders. Last evaluated: 2024-09-07. Review status: criteria provided, single submitter. Criteria: ACMG Guidelines, 2015. Collection method: clinical testing. Allele origin: germline. Affected: yes. Observed: 3 variant alleles.

Labcorp Genetics (formerly Invitae), Labcorp
Classification: Uncertain significance. Last evaluated: 2024-01-02. Review status: criteria provided, single submitter. Criteria: Invitae Variant Classification Sherloc (09022015). Collection method: clinical testing. Allele origin: germline.
Comment: This sequence change results in a frameshift in the BEST1 gene (p.Leu541Argfs*68). While this is not anticipated to result in nonsense mediated decay, it is expected to disrupt the last 45 amino acid(s) of the BEST1 protein and extend the protein by 22 additional amino acid residues. This variant is not present in population databases (gnomAD no frequency). This variant has not been reported in the literature in individuals affected with BEST1-related conditions. ClinVar contains an entry for this variant (Variation ID: 1448247). This variant results in an extension of the BEST1 protein. Other variant(s) that result in a similarly extended protein product (p.Glu557Asnfs*52) have been observed in individuals with BEST1-related disease (PMID: 22162627). This suggests that these extensions may be clinically significant. In summary, the available evidence is currently insufficient to determine the role of this variant in disease. Therefore, it has been classified as a Variant of Uncertain Significance.

Genetics and Molecular Pathology, SA Pathology
Classification: Likely pathogenic for Autosomal recessive bestrophinopathy. Last evaluated: 2022-04-14. Review status: criteria provided, single submitter. Criteria: ACMG Guidelines, 2015. Collection method: clinical testing. Allele origin: germline. Inheritance: Autosomal recessive inheritance. Affected: yes.

Literature cited by the submitters: PubMed 22162627 (cited by Labcorp Genetics (formerly Invitae), Labcorp).